The following is an entry in ClinVar:

ClinVar aggregate classification (germline): Uncertain significance. Review status: criteria provided, multiple submitters, no conflicts (2 of 4 stars). 4 submissions from 4 submitters: Uncertain significance (4). Last evaluated 2025-12-28.

Conditions:
Cardiovascular phenotype. Identifiers: MedGen CN230736.
Brugada syndrome 5 (BRGDA5). Identifiers: Orphanet 130, Orphanet 871, MedGen C2748541, MONDO:0013015, OMIM 612838.

Allele frequency attached by ClinVar (database versions not stated): TOPMed 0.00002; gnomAD 0.00003.
gnomAD v4.1: 13 of 1,007,018 alleles (0.0013%); highest among the groups gnomAD compares: Non-Finnish European, 0.0015%; no homozygotes.

Submissions (4):

Labcorp Genetics (formerly Invitae), Labcorp
Classification: Uncertain significance for Brugada syndrome 5. Last evaluated: 2025-12-28. Review status: criteria provided, single submitter. Criteria: Invitae Variant Classification Sherloc (09022015). Collection method: clinical testing. Allele origin: germline.
Comment: This sequence change replaces valine, which is neutral and non-polar, with alanine, which is neutral and non-polar, at codon 8 of the SCN1B protein (p.Val8Ala). This variant is not present in population databases (gnomAD no frequency). This missense change has been observed in individual(s) with SCN1B-related conditions (internal data). ClinVar contains an entry for this variant (Variation ID: 190868). Experimental studies and prediction algorithms are not available or were not evaluated, and the functional significance of this variant is currently unknown. In summary, the available evidence is currently insufficient to determine the role of this variant in disease. Therefore, it has been classified as a Variant of Uncertain Significance.

Ambry Genetics
Classification: Uncertain significance for Cardiovascular phenotype. Last evaluated: 2025-08-26. Review status: criteria provided, single submitter. Criteria: Ambry Variant Classification Scheme 2023. Collection method: clinical testing. Allele origin: germline.
Comment: The p.V8A variant (also known as c.23T>C), located in coding exon 1 of the SCN1B gene, results from a T to C substitution at nucleotide position 23. The valine at codon 8 is replaced by alanine, an amino acid with similar properties. This variant was reported in individual(s) with features consistent with epilepsy (Truty R et al. Epilepsia Open. 2019 Sep;4(3):397-408). This amino acid position is well conserved in available vertebrate species. In addition, the in silico prediction for this alteration is inconclusive. Based on the available evidence, the clinical significance of this variant remains unclear.

GeneDx
Classification: Uncertain significance. Last evaluated: 2024-11-11. Review status: criteria provided, single submitter. Criteria: GeneDx Variant Classification Process June 2021. Collection method: clinical testing. Allele origin: germline. Affected: yes.
Comment: See Variant Classification Assertion Criteria.

Blueprint Genetics
Classification: Uncertain significance. Last evaluated: 2024-03-09. Review status: criteria provided, single submitter. Criteria: ACMG Guidelines, 2015. Collection method: clinical testing. Allele origin: germline.

Literature cited by the submitters: PubMed 31440721 (cited by Ambry Genetics).

NM_001037.5(SCN1B):c.23T>C (p.Val8Ala)

Gene: SCN1B (sodium voltage-gated channel beta subunit 1; plus strand). Cytogenetic location: 19q13.11.
Variant type: single nucleotide variant.
Coding change: c.23T>C on transcript NM_001037.5 (MANE Select); coding-DNA position 23, T replaced by C.
Protein change: p.Val8Ala; replaces valine 8 with alanine.
Molecular consequence: missense variant.
Genome position (GRCh38, 1-based): chr19:35,030,843, T>C. VCF-style: chr19-35030843-T-C. GRCh37 (hg19) VCF-style: chr19-35521747-T-C.
Other names: p.V8A:GTG>GCG; c.23T>C, p.Val8Ala (NM_199037.5); short protein forms V8A.
Identifiers: ClinVar variation 190868 (VCV000190868.16), dbSNP rs786205833, ClinGen allele CA302171.